The following is an entry in ClinVar:

NM_001002294.3(FMO3):c.1123del (p.Ala377fs)

Gene: FMO3 (flavin containing dimethylaniline monoxygenase 3; plus strand). Cytogenetic location: 1q24.3.
Variant type: Deletion.
Coding change: c.1123del on transcript NM_001002294.3 (MANE Select); coding-DNA position 1123, one base deleted (C; older notation c.1123delC).
Protein change: p.Ala377fs; shifts the reading frame from alanine 377.
Molecular consequence: frameshift variant.
Genome position (GRCh38, 1-based): chr1:171,114,302, C deleted; the last of 3 consecutive C bases (chr1:171,114,300-171,114,302); deleting any one gives the same sequence. VCF-style (leftmost placement, unchanged base first): chr1-171114299-TC-T. GRCh37 (hg19) VCF-style: chr1-171083439-TC-T.
Other names: c.1063del, p.Ala357fs (NM_001319173.2); c.934del, p.Ala314fs (NM_001319174.2); c.1123del, p.Ala377fs (NM_006894.6); short protein forms A377fs, A357fs, A314fs.
Identifiers: ClinVar variation 5003944 (VCV005003944.1).
Genomic context (GRCh38, chr1:171,114,299, plus strand): 5'-AAAGGAGTATTTCCTCCTCTACTTGAGAAGTCAACCATAGCAGTGATTGGCTTTGTCCAG[TC>T]CCTTGGGGCTGCCATTCCCACAGTTGACCTCCAGTCCCGCTGGGCAGCACAAGTAATAAA-3'

ClinVar aggregate classification (germline): Pathogenic (1 of 4 stars; one submission).

Conditions:
Trimethylaminuria (TMAU). Also called: Primary Trimethylaminuria; Fish malodor syndrome; Stale fish syndrome; TMAuria; FISH-ODOR SYNDROME. Identifiers: MedGen C0342739, MONDO:0011182, OMIM 602079, HP:0003614. Disease mechanism: loss of function.

Submission:

Myriad Genetics, Inc.
Classification: Pathogenic for Trimethylaminuria. Last evaluated: 2026-09-01. Review status: criteria provided, single submitter. Criteria: Myriad Autosomal Dominant, Autosomal Recessive and X-Linked Classification Criteria (2023). Collection method: clinical testing. Allele origin: unknown.
Comment: NM_001002294.2(FMO3):c.1123delC(A377Lfs*16) is a frameshift variant classified as pathogenic in the context of primary trimethylaminuria. A377Lfs*16 has not been observed in cases with relevant disease. Relevant functional assessments of this variant are not available in the literature. A377Lfs*16 has not been observed in referenced population frequency databases. In summary, NM_001002294.2(FMO3):c.1123delC(A377Lfs*16) is a frameshift variant in a gene where loss of function is a known mechanism of disease and is predicted to disrupt protein function. Please note: this variant was assessed in the context of healthy population screening.